The following is an entry in ClinVar:

NM_133433.4(NIPBL):c.5441G>A (p.Arg1814Gln)

Gene: NIPBL (NIPBL cohesin loading factor; plus strand). Cytogenetic location: 5p13.2.
Variant type: single nucleotide variant.
Coding change: c.5441G>A on transcript NM_133433.4 (MANE Select); coding-DNA position 5441, G replaced by A.
Protein change: p.Arg1814Gln; replaces arginine 1814 with glutamine.
Molecular consequence: missense variant.
Genome position (GRCh38, 1-based): chr5:37,022,257, G>A. VCF-style: chr5-37022257-G-A. GRCh37 (hg19) VCF-style: chr5-37022359-G-A.
Other names: c.5441G>A, p.Arg1814Gln (NM_001438586.1, NM_015384.5); short protein forms R1814Q.
Identifiers: ClinVar variation 4822442 (VCV004822442.4).
Genomic context (GRCh38, chr5:37,022,257, plus strand): 5'-CACTCTATTTAGGTATAAATTGTTTTTTTCTCTTCATTTTTCTTTAGCTTGATATGCAAC[G>A]AGGTGTTCATGGACGATTGATGGATAATTCGACTAGTGTCCGAGAAGCAGCAGTAGAATT-3'
Protein context (NP_597677.2, residues 1804-1824): PSILARLDMQ[Arg1814Gln]GVHGRLMDNS

ClinVar aggregate classification (germline): Uncertain significance (1 of 4 stars; one submission).

gnomAD v4.1: 1 of 1,613,916 alleles (0.000062%); highest among the groups gnomAD compares: Admixed American, 0.0017%; no homozygotes.

Submission:

CeGaT Center for Human Genetics Tuebingen
Classification: Uncertain significance. Last evaluated: 2026-03-01. Review status: criteria provided, single submitter. Criteria: CeGaT Center For Human Genetics Tuebingen Variant Classification Criteria Version 2. Collection method: clinical testing. Allele origin: germline. Affected: yes. Observed: 1 variant allele.
Comment: NIPBL: PM2, PP2